The following is an entry in ClinVar:

ClinVar aggregate classification (germline): Uncertain significance (1 of 4 stars; one submission).

Conditions:
MEGF10-related myopathy (CMYO10A). Also called: Congenital myopathy 10A, severe variant. Identifiers: Orphanet 439212, MedGen C3280679, MONDO:0013731, OMIM 614399.

Submission:

Labcorp Genetics (formerly Invitae), Labcorp
Classification: Uncertain significance for MEGF10-related myopathy. Last evaluated: 2021-03-27. Review status: criteria provided, single submitter. Criteria: Invitae Variant Classification Sherloc (09022015). Collection method: clinical testing. Allele origin: germline.
Comment: In summary, the available evidence is currently insufficient to determine the role of this variant in disease. Therefore, it has been classified as a Variant of Uncertain Significance. Algorithms developed to predict the effect of missense changes on protein structure and function (SIFT, PolyPhen-2, Align-GVGD) all suggest that this variant is likely to be disruptive, but these predictions have not been confirmed by published functional studies and their clinical significance is uncertain. This variant has not been reported in the literature in individuals with MEGF10-related conditions. This variant is not present in population databases (ExAC no frequency). This sequence change replaces proline with arginine at codon 162 of the MEGF10 protein (p.Pro162Arg). The proline residue is highly conserved and there is a moderate physicochemical difference between proline and arginine.

NM_001256545.2(MEGF10):c.485C>G (p.Pro162Arg)

Gene: MEGF10 (multiple EGF like domains 10; plus strand). Cytogenetic location: 5q23.2.
Variant type: single nucleotide variant.
Coding change: c.485C>G on transcript NM_001256545.2 (MANE Select); coding-DNA position 485, C replaced by G.
Protein change: p.Pro162Arg; replaces proline 162 with arginine.
Molecular consequence: missense variant.
Genome position (GRCh38, 1-based): chr5:127,396,604, C>G. VCF-style: chr5-127396604-C-G. GRCh37 (hg19) VCF-style: chr5-126732296-C-G.
Other names: c.485C>G, p.Pro162Arg (NM_001308119.2, NM_001308121.2, NM_032446.3); short protein forms P162R.
Identifiers: ClinVar variation 1520518 (VCV001520518.8), dbSNP rs2126921820, ClinGen allele CA360718233.